The following is an entry in ClinVar:

NM_001330260.2(SCN8A):c.3059A>G (p.Gln1020Arg)

Gene: SCN8A (sodium voltage-gated channel alpha subunit 8; plus strand). Cytogenetic location: 12q13.13.
Variant type: single nucleotide variant.
Coding change: c.3059A>G on transcript NM_001330260.2 (MANE Select); coding-DNA position 3059, A replaced by G.
Protein change: p.Gln1020Arg; replaces glutamine 1020 with arginine.
Molecular consequence: missense variant.
Genome position (GRCh38, 1-based): chr12:51,769,022, A>G. VCF-style: chr12-51769022-A-G. GRCh37 (hg19) VCF-style: chr12-52162806-A-G.
Other names: c.3059A>G, p.Gln1020Arg (NM_001177984.3, NM_001369788.1, NM_014191.4); short protein forms Q1020R.
Identifiers: ClinVar variation 4076893 (VCV004076893.1).

ClinVar aggregate classification (germline): Uncertain significance (1 of 4 stars; one submission).

Submission:

GeneDx
Classification: Uncertain significance. Last evaluated: 2025-02-24. Review status: criteria provided, single submitter. Criteria: GeneDx Variant Classification Process June 2021. Collection method: clinical testing. Allele origin: germline. Affected: yes.
Comment: Not observed at significant frequency in large population cohorts (gnomAD); In silico analysis indicates that this missense variant does not alter protein structure/function; Has not been previously published as pathogenic or benign to our knowledge; This substitution is predicted to be within the cytoplasmic loop between the second and third homologous domains